The following is an entry in ClinVar:

ClinVar aggregate classification (germline): Pathogenic (1 of 4 stars; one submission).

Submission:

GeneDx
Classification: Pathogenic. Last evaluated: 2026-07-05. Review status: criteria provided, single submitter. Criteria: GeneDx Variant Classification Process June 2021. Collection method: clinical testing. Allele origin: germline.
Comment: Published functional studies suggest that V96L may reduce binding ability to G- and A- DNA motifs, but protein expression, localization, and interaction with MST2 are unchanged; thus additional functional data is needed to clarify the effect in vivo (PMID: 39497128); In silico analysis supports that this missense variant has a deleterious effect on protein structure/function; Not observed at significant frequency in large population cohorts (gnomAD); This variant is associated with the following publications: (PMID: 23505205, 39497128)

NM_001451.3(FOXF1):c.286G>A (p.Val96Met)

Gene: FOXF1 (forkhead box F1; plus strand). Cytogenetic location: 16q24.1.
Variant type: single nucleotide variant.
Coding change: c.286G>A on transcript NM_001451.3 (MANE Select); coding-DNA position 286, G replaced by A.
Protein change: p.Val96Met; replaces valine 96 with methionine.
Molecular consequence: missense variant.
Genome position (GRCh38, 1-based): chr16:86,510,855, G>A. VCF-style: chr16-86510855-G-A. GRCh37 (hg19) VCF-style: chr16-86544461-G-A.
Other names: short protein forms V96M.
Identifiers: ClinVar variation 3253479 (VCV003253479.2), dbSNP rs1969550532.
Genomic context (GRCh38, chr16:86,510,855, plus strand): 5'-CAGTTCCTGCAGAGCCGCTTCCCCTTCTTCCGGGGCTCCTACCAGGGCTGGAAGAACTCC[G>A]TGCGCCACAACCTCTCGCTCAACGAGTGCTTCATCAAGCTACCCAAGGGCCTTGGGCGGC-3'
Protein context (NP_001442.2, residues 86-106): RGSYQGWKNS[Val96Met]RHNLSLNECF